The following is an entry in ClinVar:

NM_001999.4(FBN2):c.1497G>C (p.Lys499Asn)

Gene: FBN2 (fibrillin 2; minus strand). Cytogenetic location: 5q23.3.
Variant type: single nucleotide variant.
Coding change: c.1497G>C on transcript NM_001999.4 (MANE Select); coding-DNA position 1497, G replaced by C.
Protein change: p.Lys499Asn; replaces lysine 499 with asparagine.
Molecular consequence: missense variant.
Genome position (GRCh38, 1-based): chr5:128,392,124, C>G on the plus strand (G>C on the coding strand, the complement: FBN2 is on the minus strand). VCF-style: chr5-128392124-C-G. GRCh37 (hg19) VCF-style: chr5-127727817-C-G.
Other names: short protein forms K499N.
Identifiers: ClinVar variation 4881067 (VCV004881067.2).

ClinVar aggregate classification (germline): Uncertain significance (1 of 4 stars; one submission).

Submission:

Dasa
Classification: Uncertain significance. Last evaluated: 2026-01-05. Review status: criteria provided, single submitter. Criteria: DASA Assertion Criteria. Collection method: clinical testing. Allele origin: germline.
Comment: NM_001999.4(FBN2):c.1497G>C (p.Lys499Asn) is a missense variant that results in the substitution of lysine with asparagine. This variant is absent from population databases. The currently available literature and clinical evidence are not sufficient to establish a definitive association between this variant and the reported condition. Therefore, this variant is classified as a variant of uncertain significance.